The following is an entry in ClinVar:

NM_001728.4(BSG):c.1074C>G (p.Asp358Glu)

Gene: BSG (basigin (Ok blood group); plus strand). Cytogenetic location: 19p13.3.
Variant type: single nucleotide variant.
Coding change: c.1074C>G on transcript NM_001728.4 (MANE Select); coding-DNA position 1074, C replaced by G.
Protein change: p.Asp358Glu; replaces aspartic acid 358 with glutamic acid.
Molecular consequence: missense variant.
Genome position (GRCh38, 1-based): chr19:582,310, C>G. VCF-style: chr19-582310-C-G. GRCh37 (hg19) VCF-style: chr19-582310-C-G.
Other names: c.726C>G, p.Asp242Glu (NM_001322243.2, NM_198589.3); c.447C>G, p.Asp149Glu (NM_198590.3, NM_198591.4); short protein forms D358E, D149E, D242E.
Identifiers: ClinVar variation 4984256 (VCV004984256.1).

ClinVar aggregate classification (germline): Benign (1 of 4 stars; one submission).

Conditions:
BSG-related disorder. Also called: BSG-related condition.

gnomAD v4.1: 1,297 of 1,603,042 alleles (0.081%); highest among the groups gnomAD compares: South Asian, 1%; 8 homozygotes.

Submission:

PreventionGenetics, part of Exact Sciences
Classification: Benign for BSG-related condition. Last evaluated: 2026-08-13. Review status: criteria provided, single submitter. Criteria: ACMG Guidelines, 2015. Collection method: clinical testing. Allele origin: germline.
Comment: This variant is classified as benign based on ACMG/AMP sequence variant interpretation guidelines (Richards et al. 2015 PMID: 25741868, with internal and published modifications).